The following is an entry in ClinVar:

NM_030665.4(RAI1):c.2946C>T (p.Pro982=)

Gene: RAI1 (retinoic acid induced 1; plus strand). Cytogenetic location: 17p11.2.
Variant type: single nucleotide variant.
Coding change: c.2946C>T on transcript NM_030665.4 (MANE Select); coding-DNA position 2946, C replaced by T.
Protein change: p.Pro982=; no amino-acid change (proline 982 retained).
Molecular consequence: synonymous variant.
Genome position (GRCh38, 1-based): chr17:17,795,894, C>T. VCF-style: chr17-17795894-C-T. GRCh37 (hg19) VCF-style: chr17-17699208-C-T.
Other names: c.2946C>T (NM_030665.3).
Identifiers: ClinVar variation 2175446 (VCV002175446.6), dbSNP rs572184391, ClinGen allele CA8418639.

ClinVar aggregate classification (germline): Likely benign. Review status: criteria provided, single submitter (1 of 4 stars). 2 submissions from 2 submitters: Likely benign (1). 1 of the submissions does not count toward it. Last evaluated 2025-04-16.

Conditions:
RAI1-related disorder. Also called: RAI1-related condition.

Allele frequency attached by ClinVar (database versions not stated): gnomAD exomes 0.00001; TOPMed 0.00002; ExAC 0.00003; gnomAD 0.00003; 1000 Genomes Project 30x 0.00016; 1000 Genomes Project 0.00020.
gnomAD v4.1: 24 of 1,611,780 alleles (0.0015%); highest among the groups gnomAD compares: Middle Eastern, 0.033%; no homozygotes.

Submissions (2):

Labcorp Genetics (formerly Invitae), Labcorp
Classification: Likely benign. Last evaluated: 2025-04-16. Review status: criteria provided, single submitter. Criteria: Invitae Variant Classification Sherloc (09022015). Collection method: clinical testing. Allele origin: germline.

PreventionGenetics, part of Exact Sciences
Classification: Likely benign for RAI1-related condition. Last evaluated: 2019-11-12. Review status: no assertion criteria provided. Collection method: clinical testing. Allele origin: germline. Not counted in ClinVar's aggregate classification.
Comment: This variant is classified as likely benign based on ACMG/AMP sequence variant interpretation guidelines (Richards et al. 2015 PMID: 25741868, with internal and published modifications).